The following is an entry in ClinVar:

ClinVar aggregate classification (germline): Likely benign. Review status: criteria provided, multiple submitters, no conflicts (2 of 4 stars). 2 submissions from 2 submitters: Likely benign (2). Last evaluated 2026-01-01.

Conditions:
Inborn genetic diseases. Identifiers: MedGen C0950123, MeSH D030342.

Allele frequency attached by ClinVar (database versions not stated): gnomAD 0.00001; gnomAD exomes 0.00002; ExAC 0.00007.
gnomAD v4.1: 28 of 1,537,200 alleles (0.0018%); highest among the groups gnomAD compares: Non-Finnish European, 0.0023%; no homozygotes.

Submissions (2):

CeGaT Center for Human Genetics Tuebingen
Classification: Likely benign. Last evaluated: 2026-01-01. Review status: criteria provided, single submitter. Criteria: CeGaT Center For Human Genetics Tuebingen Variant Classification Criteria Version 2. Collection method: clinical testing. Allele origin: germline. Affected: yes. Observed: 1 variant allele.
Comment: ARID1B: BP4, BP7

Ambry Genetics
Classification: Likely benign for Inborn genetic diseases. Last evaluated: 2018-06-21. Review status: criteria provided, single submitter. Criteria: Ambry Variant Classification Scheme 2023. Collection method: clinical testing. Allele origin: germline.

NM_001374828.1(ARID1B):c.618G>A (p.Gln206=)

Genes: ARID1B (AT-rich interaction domain 1B; plus strand), LOC115308161 (uncharacterized LOC115308161; minus strand). Cytogenetic location: 6q25.3.
Variant type: single nucleotide variant.
Coding change: c.618G>A on transcript NM_001374828.1 (MANE Select); coding-DNA position 618, G replaced by A.
Protein change: p.Gln206=; no amino-acid change (glutamine 206 retained).
Molecular consequence: synonymous variant. On other transcripts: non-coding transcript variant (1).
Genome position (GRCh38, 1-based): chr6:156,778,298, G>A. VCF-style: chr6-156778298-G-A. GRCh37 (hg19) VCF-style: chr6-157099432-G-A.
Other names: c.369G>A, p.Gln123= (NM_001346813.1, NM_020732.3); c.618G>A, p.Gln206= (NM_001371656.1, NM_001374820.1, NM_017519.3); c.195G>A, p.Gln65= (NM_175863.2).
Identifiers: ClinVar variation 1734042 (VCV001734042.6), dbSNP rs771649817, ClinGen allele CA4066663.
Genomic context (GRCh38, chr6:156,778,298, plus strand): 5'-CCACGCACTACAGCAGCAGCTAAACCAGTTCCAGCAGCAGCAGCAGCAGCAGCAACAGCA[G>A]CAGCAGCAGCAGCAGCAACAGCAACATCCCATTTCCAACAACAACAGCTTGGGCGGCGCG-3'
Protein context (NP_001361757.1, residues 196-216): FQQQQQQQQQ[Gln206=]QQQQQQQQHP